The following is an entry in ClinVar:

ClinVar aggregate classification (germline): Likely pathogenic. Review status: criteria provided, multiple submitters, no conflicts (2 of 4 stars). 2 submissions from 2 submitters: Likely pathogenic (2). Last evaluated 2023-12-20.

Conditions:
Generalized epilepsy with febrile seizures plus, type 2 (GEFSP2). Also called: GEFS+, TYPE 2. Identifiers: Orphanet 36387, MedGen C1858673, MONDO:0011461, OMIM 604403.

Submissions (2):

3billion
Classification: Likely pathogenic for Generalized epilepsy with febrile seizures plus, type 2. Last evaluated: 2023-12-20. Review status: criteria provided, single submitter. Criteria: ACMG Guidelines, 2015. Collection method: clinical testing. Allele origin: germline. Affected: yes.
Comment: The variant is not observed in the gnomAD v2.1.1 dataset. Predicted Consequence/Location: The variant is located in a mutational hot spot and/or well-established functional domain in which established pathogenic variants have been reported. In silico tool predictions suggest damaging effect of the variant on gene or gene product [REVEL: 0.95 (>=0.6, sensitivity 0.68 and specificity 0.92); 3Cnet: 0.99 (>=0.6, sensitivity 0.72 and precision 0.9)]. Same nucleotide change resulting in same amino acid change has been previously reported to be associated with SCN1A-related disorder (ClinVar ID: VCV001685431). Different missense changes at the same codon (p.Val983Ala, p.Val983Asp, p.Val983Ile, p.Val983Phe) have been reported as pathogenic/likely pathogenic with strong evidence (ClinVar ID: VCV000461261, VCV000568075, VCV000943121 /PMID: 12566275, 31440721). Therefore, this variant is classified as Likely pathogenic according to the recommendation of ACMG/AMP guideline.

Mendelics
Classification: Likely pathogenic for Generalized epilepsy with febrile seizures plus, type 2. Last evaluated: 2022-05-04. Review status: criteria provided, single submitter. Criteria: Mendelics Assertion Criteria 2019. Collection method: clinical testing. Allele origin: germline.

Literature cited by the submitters: PubMed 12566275 (cited by 3billion).

NM_001165963.4(SCN1A):c.2948T>G (p.Val983Gly)

Gene: SCN1A (sodium voltage-gated channel alpha subunit 1; minus strand). Cytogenetic location: 2q24.3.
Variant type: single nucleotide variant.
Coding change: c.2948T>G on transcript NM_001165963.4 (MANE Select); coding-DNA position 2948, T replaced by G.
Protein change: p.Val983Gly; replaces valine 983 with glycine.
Molecular consequence: missense variant. On other transcripts: non-coding transcript variant (1).
Genome position (GRCh38, 1-based): chr2:166,036,529, A>C on the plus strand (T>G on the coding strand, the complement: SCN1A is on the minus strand). VCF-style: chr2-166036529-A-C. GRCh37 (hg19) VCF-style: chr2-166893039-A-C.
Other names: c.2864T>G, p.Val955Gly (NM_001165964.3, NM_001353957.2, NM_001353958.2); c.2948T>G, p.Val983Gly (NM_001202435.3, NM_001353948.2); c.2915T>G, p.Val972Gly (NM_001353949.2, NM_001353950.2, NM_001353951.2 and 2 more transcripts); c.2912T>G, p.Val971Gly (NM_001353954.2, NM_001353955.2); c.2861T>G, p.Val954Gly (NM_001353960.2); c.506T>G, p.Val169Gly (NM_001353961.2); short protein forms V169G, V954G, V955G, V971G, V972G, V983G.
Identifiers: ClinVar variation 1685431 (VCV001685431.2), dbSNP rs121918756, ClinGen allele CA349060654.